The following is an entry in ClinVar:

NM_001388453.1(QRICH2):c.2212C>T (p.Arg738Cys)

Gene: QRICH2 (glutamine rich 2; minus strand). Cytogenetic location: 17q25.1.
Variant type: single nucleotide variant.
Coding change: c.2212C>T on transcript NM_001388453.1 (MANE Select); coding-DNA position 2212, C replaced by T.
Protein change: p.Arg738Cys; replaces arginine 738 with cysteine.
Molecular consequence: missense variant.
Genome position (GRCh38, 1-based): chr17:76,292,515, G>A on the plus strand (C>T on the coding strand, the complement: QRICH2 is on the minus strand). VCF-style: chr17-76292515-G-A. GRCh37 (hg19) VCF-style: chr17-74288596-G-A.
Other names: c.2212C>T, p.Arg738Cys (NM_032134.3); short protein forms R738C.
Identifiers: ClinVar variation 3043991 (VCV003043991.2), dbSNP rs147284874, ClinGen allele CA8784152.

ClinVar aggregate classification (germline): Benign (0 of 4 stars; one submission).

Conditions:
QRICH2-related disorder. Also called: QRICH2-related condition.

Allele frequency attached by ClinVar (database versions not stated): 1000 Genomes Project 30x 0.00281; 1000 Genomes Project 0.00319; gnomAD 0.00371; ESP Exome Variant Server 0.00423.
gnomAD v4.1: 1,071 of 1,570,030 alleles (0.068%); highest among the groups gnomAD compares: African/African-American, 1.3%; 9 homozygotes.

Submission:

PreventionGenetics, part of Exact Sciences
Classification: Benign for QRICH2-related condition. Last evaluated: 2019-06-07. Review status: no assertion criteria provided. Collection method: clinical testing. Allele origin: germline.
Comment: This variant is classified as benign based on ACMG/AMP sequence variant interpretation guidelines (Richards et al. 2015 PMID: 25741868, with internal and published modifications).